The following is an entry in ClinVar:

ClinVar aggregate classification (germline): Uncertain significance (1 of 4 stars; one submission).

Conditions:
Neurofibromatosis, type 1 (NF1). Also called: Peripheral type neurofibromatosis; VON RECKLINGHAUSEN DISEASE; Neurofibromatosis, type I; NEUROFIBROMATOSIS, TYPE I, SOMATIC. Identifiers: Orphanet 636, MedGen C0027831, MONDO:0018975, OMIM 162200. Disease mechanism: loss of function.

Submission:

Labcorp Genetics (formerly Invitae), Labcorp
Classification: Uncertain significance for Neurofibromatosis, type 1. Last evaluated: 2019-06-10. Review status: criteria provided, single submitter. Criteria: Invitae Variant Classification Sherloc (09022015). Collection method: clinical testing. Allele origin: germline.
Comment: In summary, the available evidence is currently insufficient to determine the role of this variant in disease. Therefore, it has been classified as a Variant of Uncertain Significance. Algorithms developed to predict the effect of missense changes on protein structure and function do not agree on the potential impact of this missense change (SIFT: "Tolerated"; PolyPhen-2: "Probably Damaging"; Align-GVGD: "Class C0"). This variant has not been reported in the literature in individuals with NF1-related disease. This variant is not present in population databases (ExAC no frequency). This sequence change replaces leucine with serine at codon 1859 of the NF1 protein (p.Leu1859Ser). The leucine residue is moderately conserved and there is a large physicochemical difference between leucine and serine.

NM_001042492.3(NF1):c.5639T>C (p.Leu1880Ser)

Gene: NF1 (neurofibromin 1; plus strand). Cytogenetic location: 17q11.2.
Variant type: single nucleotide variant.
Coding change: c.5639T>C on transcript NM_001042492.3 (MANE Select); coding-DNA position 5639, T replaced by C.
Protein change: p.Leu1880Ser; replaces leucine 1880 with serine.
Molecular consequence: missense variant.
Genome position (GRCh38, 1-based): chr17:31,330,325, T>C. VCF-style: chr17-31330325-T-C. GRCh37 (hg19) VCF-style: chr17-29657343-T-C.
Other names: c.5576T>C, p.Leu1859Ser (NM_000267.4); short protein forms L1859S, L1880S.
Identifiers: ClinVar variation 571031 (VCV000571031.7), dbSNP rs1567613595, ClinGen allele CA399010152.
Genomic context (GRCh38, chr17:31,330,325, plus strand): 5'-TTAAAACAACTTCATTTGTGTTTTCTCCTAGGTCAGCTGCCTATAATCTTCTGTGTGCCT[T>C]AACTTGTACCTTTAATTTAAAAATCGAGGGCCAGTTACTAGAGACATCAGGTTTATGTAT-3'
Protein context (NP_001035957.1, residues 1870-1890): RSAAYNLLCA[Leu1880Ser]TCTFNLKIEG